The following is an entry in ClinVar:

NM_017534.6(MYH2):c.4500G>C (p.Gln1500His)

Genes: MYH2 (myosin heavy chain 2; minus strand), MYHAS (myosin heavy chain gene cluster antisense RNA; plus strand), LOC126862500 (BRD4-independent group 4 enhancer GRCh37_chr17:10427829-10429028; plus strand). Cytogenetic location: 17p13.1.
Variant type: single nucleotide variant.
Coding change: c.4500G>C on transcript NM_017534.6 (MANE Select); coding-DNA position 4500, G replaced by C.
Protein change: p.Gln1500His; replaces glutamine 1500 with histidine.
Molecular consequence: missense variant.
Genome position (GRCh38, 1-based): chr17:10,525,488, C>G on the plus strand (G>C on the coding strand, the complement: MYH2 is on the minus strand). VCF-style: chr17-10525488-C-G. GRCh37 (hg19) VCF-style: chr17-10428805-C-G.
Other names: c.4500G>C, p.Gln1500His (NM_001100112.2); short protein forms Q1500H.
Identifiers: ClinVar variation 2578784 (VCV002578784.25), dbSNP rs1250845278, ClinGen allele CA398125674.

ClinVar aggregate classification (germline): Uncertain significance (1 of 4 stars; one submission).

Allele frequency attached by ClinVar (database versions not stated): gnomAD exomes below 0.00001; TOPMed below 0.00001; gnomAD 0.00001.
gnomAD v4.1: 2 of 1,614,086 alleles (0.00012%); highest among the groups gnomAD compares: Non-Finnish European, 0.00017%; no homozygotes.

Submission:

CeGaT Center for Human Genetics Tuebingen
Classification: Uncertain significance. Last evaluated: 2023-07-01. Review status: criteria provided, single submitter. Criteria: CeGaT Center For Human Genetics Tuebingen Variant Classification Criteria Version 2. Collection method: clinical testing. Allele origin: germline. Affected: yes. Observed: 1 variant allele.
Comment: MYH2: PM2